The following is an entry in ClinVar:

NM_003002.4(SDHD):c.313T>C (p.Trp105Arg)

Gene: SDHD (succinate dehydrogenase complex subunit D; plus strand). Cytogenetic location: 11q23.1.
Variant type: single nucleotide variant.
Coding change: c.313T>C on transcript NM_003002.4 (MANE Select); coding-DNA position 313, T replaced by C.
Protein change: p.Trp105Arg; replaces tryptophan 105 with arginine.
Molecular consequence: missense variant. On other transcripts: non-coding transcript variant (1), intron variant (1).
Genome position (GRCh38, 1-based): chr11:112,089,010, T>C. VCF-style: chr11-112089010-T-C. GRCh37 (hg19) VCF-style: chr11-111959734-T-C.
Other names: c.313T>C (NM_003002.2); c.196T>C, p.Trp66Arg (NM_001276504.2); c.313T>C, p.Trp105Arg (NM_001276506.2); c.169+1037T>C (NM_001276503.2); short protein forms W66R, W105R.
Identifiers: ClinVar variation 2921469 (VCV002921469.4), dbSNP rs2498905655, ClinGen allele CA382617434.

ClinVar aggregate classification (germline): Uncertain significance. Review status: criteria provided, multiple submitters, no conflicts (2 of 4 stars). 2 submissions from 2 submitters: Uncertain significance (2). Last evaluated 2026-07-02.

Conditions:
Hereditary cancer-predisposing syndrome. Also called: Hereditary Cancer Syndrome; Hereditary neoplastic syndrome; Neoplastic Syndromes, Hereditary; Tumor predisposition. Identifiers: Orphanet 140162, MedGen C0027672, MeSH D009386, MONDO:0015356.
Carney-Stratakis syndrome. Also called: PARAGANGLIOMA AND GASTROINTESTINAL STROMAL TUMOR. Identifiers: Orphanet 97286, MedGen C1847319, MONDO:0011740, OMIM 606864.
Pheochromocytoma. Also called: MAX-Related Hereditary Paraganglioma-Pheochromocytoma Syndrome. Identifiers: Orphanet 29072, MedGen C0031511, MONDO:0008233, OMIM 171300, HP:0002666.
Paragangliomas with sensorineural hearing loss. Identifiers: MedGen C1868633.
Cowden syndrome 3 (CWS3). Identifiers: Orphanet 201, MedGen CN166604, MONDO:0014045.

Submissions (2):

Ambry Genetics
Classification: Uncertain significance for Hereditary cancer-predisposing syndrome. Last evaluated: 2026-07-02. Review status: criteria provided, single submitter. Criteria: Ambry Variant Classification Scheme 2023. Collection method: clinical testing. Allele origin: germline.
Comment: The p.W105R variant (also known as c.313T>C), located in coding exon 3 of the SDHD gene, results from a T to C substitution at nucleotide position 313. The tryptophan at codon 105 is replaced by arginine, an amino acid with dissimilar properties. This amino acid position is conserved. In addition, this alteration is predicted to be deleterious by in silico analysis. Based on the available evidence, the clinical significance of this variant remains unclear.

Labcorp Genetics (formerly Invitae), Labcorp
Classification: Uncertain significance for Carney-Stratakis syndrome; Paragangliomas with sensorineural hearing loss; Pheochromocytoma; Cowden syndrome 3. Last evaluated: 2024-04-29. Review status: criteria provided, single submitter. Criteria: Invitae Variant Classification Sherloc (09022015). Collection method: clinical testing. Allele origin: germline.
Comment: This sequence change replaces tryptophan, which is neutral and slightly polar, with arginine, which is basic and polar, at codon 105 of the SDHD protein (p.Trp105Arg). This variant is not present in population databases (gnomAD no frequency). This variant has not been reported in the literature in individuals affected with SDHD-related conditions. An algorithm developed to predict the effect of missense changes on protein structure and function (PolyPhen-2) suggests that this variant is likely to be disruptive. In summary, the available evidence is currently insufficient to determine the role of this variant in disease. Therefore, it has been classified as a Variant of Uncertain Significance.